The following is an entry in ClinVar:

NM_000875.5(IGF1R):c.1784G>A (p.Arg595His)

Gene: IGF1R (insulin like growth factor 1 receptor; plus strand). Cytogenetic location: 15q26.3.
Variant type: single nucleotide variant.
Coding change: c.1784G>A on transcript NM_000875.5 (MANE Select); coding-DNA position 1784, G replaced by A.
Protein change: p.Arg595His; replaces arginine 595 with histidine.
Molecular consequence: missense variant.
Genome position (GRCh38, 1-based): chr15:98,913,238, G>A. VCF-style: chr15-98913238-G-A. GRCh37 (hg19) VCF-style: chr15-99456467-G-A.
Other names: c.1784G>A, p.Arg595His (NM_001291858.2); short protein forms R595H.
Identifiers: ClinVar variation 284570 (VCV000284570.22), dbSNP rs56248469, ClinGen allele CA7752193.
Genomic context (GRCh38, chr15:98,913,238, plus strand): 5'-CTCAGTACGCCGTTTACGTCAAGGCTGTGACCCTCACCATGGTGGAGAACGACCATATCC[G>A]TGGGGCCAAGAGTGAGATCTTGTACATTCGCACCAATGCTTCAGGTATCCATGCCTAGAC-3'
Protein context (NP_000866.1, residues 585-605): TLTMVENDHI[Arg595His]GAKSEILYIR

ClinVar aggregate classification (germline): Conflicting classifications of pathogenicity. Review status: criteria provided, conflicting classifications (1 of 4 stars). 6 submissions from 6 submitters: Uncertain significance (4); Likely benign (2). Last evaluated 2026-04-20.

Conditions:
Inborn genetic diseases. Identifiers: MedGen C0950123, MeSH D030342.
Growth delay due to insulin-like growth factor I resistance. Also called: Somatomedin end-organ insensitivity to; Somatomedin-c resistance to; IGF-1 resistance; IGF-I RESISTANCE; Insulin-Like Growth Factor I Resistance. Identifiers: Orphanet 73273, MedGen C1849157, MONDO:0010038, OMIM 270450.

Allele frequency attached by ClinVar (database versions not stated): 1000 Genomes Project 30x 0.00016; 1000 Genomes Project 0.00020; ExAC 0.00063; gnomAD exomes 0.00064; ESP Exome Variant Server 0.00069.
gnomAD v4.1: 2,355 of 1,614,140 alleles (0.15%); highest among the groups gnomAD compares: Non-Finnish European, 0.19%; 6 homozygotes.

Submissions (6):

Women's Health and Genetics/Laboratory Corporation of America, LabCorp
Classification: Uncertain significance. Last evaluated: 2026-04-20. Review status: criteria provided, single submitter. Criteria: LabCorp Variant Classification Summary - May 2015. Collection method: clinical testing. Allele origin: germline.
Comment: Variant summary: IGF1R c.1784G>A (p.Arg595His) results in a non-conservative amino acid change located in the FN3 (IPR003961) of the encoded protein sequence. Algorithms developed to predict the effect of missense changes on protein structure and function are either unavailable or do not agree on the potential impact of this missense change. The variant allele was found at a frequency of 0.00064 in 251468 control chromosomes, predominantly at a frequency of 0.0013 within the Non-Finnish European subpopulation in the gnomAD database. This frequency is not significantly higher than estimated for disease-causing variants in IGF1R, allowing no conclusion about variant significance. c.1784G>A has been reported in the literature in one individual affected with isolated single suture craniosynostosis (Cunningham_2012). The report does not provide unequivocal conclusions about association of the variant with Growth Delay Due To Insulin-Like Growth Factor I Resistance. To our knowledge, no experimental evidence demonstrating an impact on protein function has been reported. The following publication have been ascertained in the context of this evaluation (PMID: 21204214). ClinVar contains an entry for this variant (Variation ID: 284570). Based on the evidence outlined above, the variant was classified as uncertain significance.

Labcorp Genetics (formerly Invitae), Labcorp
Classification: Likely benign. Last evaluated: 2026-01-13. Review status: criteria provided, single submitter. Criteria: Invitae Variant Classification Sherloc (09022015). Collection method: clinical testing. Allele origin: germline.

GeneDx
Classification: Uncertain significance. Last evaluated: 2025-12-20. Review status: criteria provided, single submitter. Criteria: GeneDx Variant Classification Process June 2021. Collection method: clinical testing. Allele origin: germline. Affected: yes.
Comment: Reported in the heterozygous state in a patient with isolated craniosynostosis (PMID: 21204214); Functional studies conducted on a cell line derived from the previously published patient harboring this variant, showed increased IRS1 and GSK3 phosphorylation; however additional studies are needed to validate the functional effect of this specific variant (PMID: 23073384); In silico analysis suggests that this missense variant does not alter protein structure/function; This variant is associated with the following publications: (PMID: 23073384, 21204214)

Ambry Genetics
Classification: Likely benign for Inborn genetic diseases. Last evaluated: 2022-08-09. Review status: criteria provided, single submitter. Criteria: Ambry Variant Classification Scheme 2023. Collection method: clinical testing. Allele origin: germline.

Illumina Laboratory Services, Illumina
Classification: Uncertain significance for Growth delay due to insulin-like growth factor I resistance. Last evaluated: 2017-04-27. Review status: criteria provided, single submitter. Criteria: ICSL Variant Classification Criteria 13 December 2019. Collection method: clinical testing. Allele origin: germline.

Eurofins Ntd Llc (ga)
Classification: Uncertain significance. Last evaluated: 2015-12-17. Review status: criteria provided, single submitter. Criteria: EGL Classification Definitions 2015. Collection method: clinical testing. Allele origin: germline. Observed: 1 variant allele, 1 heterozygote.

Literature cited by the submitters: PubMed 21204214 (cited by 3 submitters); PubMed 23073384 (cited by Eurofins Ntd Llc (ga)).